The following is an entry in ClinVar:

ClinVar aggregate classification (germline): Uncertain significance (1 of 4 stars; one submission).

Conditions:
Lethal congenital glycogen storage disease of heart. Also called: GLYCOGEN STORAGE DISEASE OF HEART; PHOSPHORYLASE KINASE DEFICIENCY OF HEART. Identifiers: Orphanet 439854, MedGen C1849813, MONDO:0009867, OMIM 261740.

Submission:

Labcorp Genetics (formerly Invitae), Labcorp
Classification: Uncertain significance for Lethal congenital glycogen storage disease of heart. Last evaluated: 2025-02-12. Review status: criteria provided, single submitter. Criteria: Invitae Variant Classification Sherloc (09022015). Collection method: clinical testing. Allele origin: germline.
Comment: This sequence change replaces proline, which is neutral and non-polar, with leucine, which is neutral and non-polar, at codon 461 of the PRKAG2 protein (p.Pro461Leu). This variant is not present in population databases (gnomAD no frequency). This variant has not been reported in the literature in individuals affected with PRKAG2-related conditions. Invitae Evidence Modeling of protein sequence and biophysical properties (such as structural, functional, and spatial information, amino acid conservation, physicochemical variation, residue mobility, and thermodynamic stability) indicates that this missense variant is expected to disrupt PRKAG2 protein function with a positive predictive value of 95%. In summary, the available evidence is currently insufficient to determine the role of this variant in disease. Therefore, it has been classified as a Variant of Uncertain Significance.

NM_016203.4(PRKAG2):c.1382C>T (p.Pro461Leu)

Gene: PRKAG2 (protein kinase AMP-activated non-catalytic subunit gamma 2; minus strand). Cytogenetic location: 7q36.1.
Variant type: single nucleotide variant.
Coding change: c.1382C>T on transcript NM_016203.4 (MANE Select); coding-DNA position 1382, C replaced by T.
Protein change: p.Pro461Leu; replaces proline 461 with leucine.
Molecular consequence: missense variant.
Genome position (GRCh38, 1-based): chr7:151,565,737, G>A on the plus strand (C>T on the coding strand, the complement: PRKAG2 is on the minus strand). VCF-style: chr7-151565737-G-A. GRCh37 (hg19) VCF-style: chr7-151262823-G-A.
Other names: c.1250C>T, p.Pro417Leu (NM_001040633.2, NM_001407024.1); c.1007C>T, p.Pro336Leu (NM_001304527.2, NM_001407029.1); c.659C>T, p.Pro220Leu (NM_001304531.2, NM_001407034.1, NM_001407035.1 and 1 more transcripts); c.1010C>T, p.Pro337Leu (NM_001363698.2, NM_001407028.1); c.1382C>T, p.Pro461Leu (NM_001407021.1); c.1379C>T, p.Pro460Leu (NM_001407022.1, NM_001407023.1); c.1247C>T, p.Pro416Leu (NM_001407026.1, NM_001407027.1); c.1094C>T, p.Pro365Leu (NM_001407030.1); and 6 more; short protein forms P219L, P220L, P236L, P240L, P336L, P337L, P353L, P355L.
Identifiers: ClinVar variation 4802501 (VCV004802501.1).